The following is an entry in ClinVar:

ClinVar aggregate classification (germline): Benign/Likely benign. Review status: criteria provided, multiple submitters, no conflicts (2 of 4 stars). 7 submissions from 7 submitters: Benign (1); Likely benign (5). 1 of the submissions does not count toward it. Last evaluated 2026-01-11.

Conditions:
MSH6-related disorder. Also called: MSH6-related condition; MSH6-Related disorders.
Hereditary nonpolyposis colorectal neoplasms. Identifiers: MedGen C0009405, MeSH D003123.
Hereditary cancer-predisposing syndrome. Also called: Tumor predisposition; Hereditary Cancer Syndrome; Hereditary neoplastic syndrome; Neoplastic Syndromes, Hereditary. Identifiers: Orphanet 140162, MedGen C0027672, MeSH D009386, MONDO:0015356.
Lynch syndrome. Identifiers: Orphanet 144, MedGen C4552100, MONDO:0005835. Disease mechanism: loss of function.
Lynch syndrome 5 (LYNCH5). Also called: Colorectal cancer, hereditary nonpolyposis, type 5; Hereditary non-polyposis colorectal cancer, type 5. Identifiers: Orphanet 144, MedGen C1833477, MONDO:0013710, OMIM 614350. Disease mechanism: loss of function.

Allele frequency attached by ClinVar (database versions not stated): ESP Exome Variant Server 0.00008.
gnomAD v4.1: 4 of 1,614,140 alleles (0.00025%); highest among the groups gnomAD compares: Middle Eastern, 0.016%; no homozygotes.

Submissions (7):

Labcorp Genetics (formerly Invitae), Labcorp
Classification: Likely benign for Hereditary nonpolyposis colorectal neoplasms. Last evaluated: 2026-01-11. Review status: criteria provided, single submitter. Criteria: Invitae Variant Classification Sherloc (09022015). Collection method: clinical testing. Allele origin: germline.

Myriad Genetics, Inc.
Classification: Benign for Lynch syndrome 5. Last evaluated: 2025-01-06. Review status: criteria provided, single submitter. Criteria: Myriad Autosomal Dominant, Autosomal Recessive and X-Linked Classification Criteria (2023). Collection method: clinical testing. Allele origin: unknown.
Comment: This variant is considered benign. This variant is a silent/synonymous amino acid change and it is not expected to impact splicing.

All of Us Research Program, National Institutes of Health
Classification: Likely benign for Lynch syndrome. Last evaluated: 2024-08-13. Review status: criteria provided, single submitter. Criteria: ACMG Guidelines, 2015. Collection method: clinical testing. Allele origin: germline. Inheritance: Autosomal dominant inheritance. Observed: 3 variant alleles, 3 heterozygotes.
Comment: This study involves interpretation of variants in research participants for the purpose of population health screening. Participant phenotype was not available at the time of variant classification. Additional details can be found in publication PMID: 35346344, PMCID: PMC8962531

Quest Diagnostics Nichols Institute San Juan Capistrano
Classification: Likely benign. Last evaluated: 2023-06-06. Review status: criteria provided, single submitter. Criteria: Quest Diagnostics criteria. Collection method: clinical testing. Allele origin: unknown.

Color Diagnostics, LLC DBA Color Health
Classification: Likely benign for Hereditary cancer-predisposing syndrome. Last evaluated: 2018-10-02. Review status: criteria provided, single submitter. Criteria: ACMG Guidelines, 2015. Collection method: clinical testing. Allele origin: germline.

Ambry Genetics
Classification: Likely benign for Hereditary cancer-predisposing syndrome. Last evaluated: 2015-12-26. Review status: criteria provided, single submitter. Criteria: Ambry Variant Classification Scheme 2023. Collection method: clinical testing. Allele origin: germline.

PreventionGenetics, part of Exact Sciences
Classification: Likely benign for MSH6-related condition. Last evaluated: 2023-07-07. Review status: no assertion criteria provided. Collection method: clinical testing. Allele origin: germline. Not counted in ClinVar's aggregate classification.
Comment: This variant is classified as likely benign based on ACMG/AMP sequence variant interpretation guidelines (Richards et al. 2015 PMID: 25741868, with internal and published modifications).

NM_000179.3(MSH6):c.3261C>G (p.Pro1087=)

Gene: MSH6 (mutS homolog 6; plus strand). Cytogenetic location: 2p16.3.
Variant type: single nucleotide variant.
Coding change: c.3261C>G on transcript NM_000179.3 (MANE Select); coding-DNA position 3261, C replaced by G.
Protein change: p.Pro1087=; no amino-acid change (proline 1087 retained).
Molecular consequence: synonymous variant.
Genome position (GRCh38, 1-based): chr2:47,803,508, C>G. VCF-style: chr2-47803508-C-G. GRCh37 (hg19) VCF-style: chr2-48030647-C-G.
Other names: c.2871C>G, p.Pro957= (NM_001281492.2); c.2355C>G, p.Pro785= (NM_001281493.2, NM_001281494.2).
Identifiers: ClinVar variation 183834 (VCV000183834.24), dbSNP rs370226185, ClinGen allele CA012307.